The following continues an entry in ClinVar:

NM_001384474.1(LOXHD1):c.4480C>T (p.Arg1494Ter)

Gene: LOXHD1. ClinVar aggregate classification (germline): Pathogenic/Likely pathogenic. Pathogenic (23); Likely pathogenic (1).

Submissions 13 to 27 of 27:

Women's Health and Genetics/Laboratory Corporation of America, LabCorp
Classification: Pathogenic for Nonsyndromic genetic hearing loss. Last evaluated: 2023-09-26. Review status: criteria provided, single submitter. Criteria: LabCorp Variant Classification Summary - May 2015. Collection method: clinical testing. Allele origin: germline.
Comment: Variant summary: LOXHD1 c.4480C>T (p.Arg1494X) results in a premature termination codon, predicted to cause absence of the protein due to nonsense mediated decay, a commonly known mechanism for disease. The variant allele was found at a frequency of 0.00061 in 158746 control chromosomes in the gnomAD database, including 1 homozygote. This frequency is not significantly higher than estimated for a pathogenic variant in LOXHD1 causing Nonsyndromic Hearing Loss And Deafness, Type 77 (0.00061 vs 0.0011), allowing no conclusion about variant significance. c.4480C>T has been reported in the literature as a biallelic genotype in multiple individuals affected with Nonsyndromic Hearing Loss And Deafness, Type 77 and has been found to segregate with this phenotype in affected families (e.g. Diaz-Horta_2012, Maekawa_2019). These data indicate that the variant is very likely to be associated with disease. To our knowledge, no experimental evidence demonstrating an impact on protein function has been reported. The following publications have been ascertained in the context of this evaluation (PMID: 23226338, 31547530). Thirteen submitters have cited clinical-significance assessments for this variant to ClinVar after 2014. All submitters classified the variant as pathogenic/likely pathogenic. Based on the evidence outlined above, the variant was classified as pathogenic.

Department of Pathology and Laboratory Medicine, Sinai Health System
Classification: Pathogenic for Autosomal recessive nonsyndromic hearing loss 77. Last evaluated: 2023-09-13. Review status: criteria provided, single submitter. Criteria: ACMG Guidelines, 2015. Collection method: research. Allele origin: germline.

Department of Human Genetics, Hannover Medical School
Classification: Pathogenic for Autosomal recessive nonsyndromic hearing loss 77. Last evaluated: 2023-08-30. Review status: criteria provided, single submitter. Criteria: ACMG Guidelines, 2015. Collection method: clinical testing. Allele origin: germline. Inheritance: Autosomal recessive inheritance. Affected: yes.

Neuberg Centre For Genomic Medicine, NCGM
Classification: Pathogenic for Autosomal recessive nonsyndromic hearing loss 77. Last evaluated: 2023-03-01. Review status: criteria provided, single submitter. Criteria: ACMG Guidelines, 2015. Collection method: clinical testing. Allele origin: germline. Inheritance: Autosomal recessive inheritance. Affected: yes.
Comment: The stop gain c.4480C>T (p.Arg1494Ter) variant in LOXHD1 gene has been reported in homozygous, compound heterozygous and heterozygous state in individuals affected with deafness and non syndromic hearing loss (Mori K, et. al., 2015). It has also been observed to segregate with disease in related individuals. The p.Arg1494Ter variant has allele frequency 0.07% in gnomAD Exomes and is novel (not in any individuals) in 1000 Genomes. This variant has been reported to the ClinVar database as Likely Pathogenic / Pathogenic (multiple submissions). The nucleotide change c.4480C>T in LOXHD1 is predicted as conserved by GERP++ and PhyloP across 100 vertebrates. This variant is predicted to cause loss of normal protein function through protein truncation. Loss of function variants in LOXHD1 gene have been previously reported to be pathogenic (Mori K, et. al., 2015; Edvardson S, et. al., 2011). For these reasons, this variant has been classified as Pathogenic.

GeneDx
Classification: Pathogenic. Last evaluated: 2022-11-15. Review status: criteria provided, single submitter. Criteria: GeneDx Variant Classification Process June 2021. Collection method: clinical testing. Allele origin: germline. Affected: yes.
Comment: Nonsense variant predicted to result in protein truncation or nonsense mediated decay in a gene for which loss-of-function is a known mechanism of disease; This variant is associated with the following publications: (PMID: 22975204, 25792669, 26973026, 28984810, 31980526, 31589614, 33297549, 29676012, 26969326, 23226338, 29907799, 30622556, 34997062, 32860223)

INGEBI, INGEBI / CONICET
Classification: Pathogenic for Nonsyndromic genetic hearing loss. Last evaluated: 2021-07-15. Review status: criteria provided, single submitter. Criteria: ClinGen HL ACMG Specifications v1. Collection method: clinical testing. Allele origin: germline. Inheritance: Autosomal recessive inheritance. Affected: yes.
Comment: Based on ACMG/AMP guidelines and Hearing Loss Expert Panel specific criteria: The c.4480 C>T (p.Arg1494*) in LOXHD1 gene is predicted to cause a premature stop codon in biologically-relevant-exon 29/40 that leads to a truncated or absent protein in a gene in which loss-of-function is an established mechanism, NMD is predcited to occur, (PVS1). The variant filter allele frequency is 0.08% (from non-european alleles in gnomAD with 95%CI) applying to BS1_Supporting. The c.4480 C>T variant has been identified in trans with two different pathogenic/likley pathogenic in patients with diverse severity of hearing loss (PMID: 22975204 and PMID: 25792669). Besides, it was detected in homozygous state in two different probands (PMID: 23226338 and this study) meeting PM3_Strong. In addition to this, this variant segregated in two different family cases with two sibling with non-syndromic hearing loss, applying to PP1_Moderate (PMID: 23226338, 25792669). Taking all the information together together :PVS1, BS1_Supporting, PM3_Strong, PP1_Moderate, c.4480C>T is classified as Pathogenic for autosomal recessive non-syndromic hearing loss.

Revvity Omics, Revvity
Classification: Pathogenic for Autosomal recessive nonsyndromic hearing loss 77. Last evaluated: 2021-04-15. Review status: criteria provided, single submitter. Criteria: ACMG Guidelines, 2015. Collection method: clinical testing. Allele origin: germline.

CeGaT Center for Human Genetics Tuebingen
Classification: Pathogenic. Last evaluated: 2019-04-01. Review status: criteria provided, single submitter. Criteria: CeGaT Center For Human Genetics Tuebingen Variant Classification Criteria Version 2. Collection method: clinical testing. Allele origin: germline. Affected: yes. Observed: 3 variant alleles.

Genomic Research Center, Shahid Beheshti University of Medical Sciences
Classification: Pathogenic for Deafness, autosomal recessive 77. Last evaluated: 2019-01-01. Review status: criteria provided, single submitter. Criteria: ACMG Guidelines, 2015. Collection method: clinical testing. Allele origin: unknown. Affected: no. Observed: 1 variant allele.

Laboratory for Molecular Medicine, Mass General Brigham Personalized Medicine
Classification: Pathogenic for Rare genetic deafness. Last evaluated: 2018-08-08. Review status: criteria provided, single submitter. Criteria: LMM Criteria. Collection method: clinical testing. Allele origin: germline. Inheritance: Autosomal recessive inheritance. Observed: 10 variant alleles.
Comment: The p.Arg1494X variant in LOXHD1 has been reported in a homozygous state in two siblings with hearing loss from a consanguineous family (Diaz-Horta 2012) and in the compound heterozygous state with a second variant in LOXHD1 in two siblings in another family (Mori 2015). It has also been identified by our laboratory in three individuals with hearing loss, including one homozygote and two with a se cond LOXHD1 variant. This variant has been identified in 0.1% (88/73010) of Euro pean chromosomes by the Genome Aggregation Database (gnomAD; dbSNP rs201587138). This frequency is low enough to be consistent w ith autosomal recessive carrier frequency for hearing loss in the general popula tion. This nonsense variant leads to a premature termination codon at position 1 494, which is predicted to lead to a truncated or absent protein. Homozygous los s of function of the LOXHD1 gene is an established disease mechanism for hearing loss. In summary, this variant meets criteria to be classified as pathogenic in an autosomal recessive manner based upon the predicted impact of the variant, b iallelic states in multiple affected individuals, and segregation evidence. ACMG /AMP Criteria applied: PVS1; PM3_Strong.

Illumina Laboratory Services, Illumina
Classification: Likely pathogenic for Autosomal recessive nonsyndromic hearing loss 77. Last evaluated: 2017-04-27. Review status: criteria provided, single submitter. Criteria: ICSL Variant Classification Criteria 09 May 2019. Collection method: clinical testing. Allele origin: germline.
Comment: The LOXHD1 c.4480C>T (p.Arg1494Ter) variant is a stop-gained variant that has been reported in a total of three studies in which it is found in a homozygous state in two siblings and in a compound heterozygous state in three individuals (including two siblings), all with nonsyndromic hearing loss. The variant has also been reported in a heterozygous state in at least four unaffected individuals (Diaz-Horta et al. 2012; Eppsteiner et al. 2012; Mori et al. 2015). Control data are unavailable for this variant, which is reported at a frequency of 0.00157 in the European American population of the Exome Sequencing Project. Due to the potential impact of stop-gained variants and supporting evidence, the p.Arg1494Ter variant is classified as likely pathogenic for recessively inherited nonsyndromic hearing loss. This variant was observed by ICSL as part of a predisposition screen in an ostensibly healthy population.

Eurofins Ntd Llc (ga)
Classification: Pathogenic. Last evaluated: 2016-09-12. Review status: criteria provided, single submitter. Criteria: EGL Classification Definitions 2015. Collection method: clinical testing. Allele origin: germline. Observed: 4 variant alleles, 4 heterozygotes.

Division of Human Genetics, Children's Hospital of Philadelphia
Classification: Likely pathogenic for Autosomal recessive nonsyndromic hearing loss 77. Last evaluated: 2015-10-26. Review status: no assertion criteria provided. Collection method: research. Allele origin: germline. Affected: yes. Study: CSER-PediSeq. Not counted in ClinVar's aggregate classification.

Clinical Genetics DNA and cytogenetics Diagnostics Lab, Erasmus MC, Erasmus Medical Center
Classification: Pathogenic. Review status: no assertion criteria provided. Collection method: clinical testing. Allele origin: germline. Affected: yes. Study: VKGL Data-share Consensus. Not counted in ClinVar's aggregate classification.

Joint Genome Diagnostic Labs from Nijmegen and Maastricht, Radboudumc and MUMC+
Classification: Pathogenic. Review status: no assertion criteria provided. Collection method: clinical testing. Allele origin: germline. Affected: yes. Study: VKGL Data-share Consensus. Not counted in ClinVar's aggregate classification.

Literature cited by the submitters: PubMed 25792669 (cited by 8 submitters); PubMed 23226338 (cited by 9 submitters); PubMed 19732867 (cited by Labcorp Genetics (formerly Invitae), Labcorp); PubMed 21465660 (cited by Labcorp Genetics (formerly Invitae), Labcorp); PubMed 22975204 (cited by 4 submitters); PubMed 31547530 (cited by Natera, Inc. and Women's Health and Genetics/Laboratory Corporation of America, LabCorp); PubMed 33297549 (cited by Ambry Genetics).